The following is an entry in ClinVar:

ClinVar aggregate classification (germline): Uncertain significance (1 of 4 stars; one submission).

Allele frequency attached by ClinVar (database versions not stated): gnomAD exomes below 0.00001.

Submission:

Labcorp Genetics (formerly Invitae), Labcorp
Classification: Uncertain significance. Last evaluated: 2022-08-09. Review status: criteria provided, single submitter. Criteria: Invitae Variant Classification Sherloc (09022015). Collection method: clinical testing. Allele origin: germline.
Comment: This sequence change creates a premature translational stop signal (p.Tyr75*) in the STN1 gene. It is expected to result in an absent or disrupted protein product. However, the current clinical and genetic evidence is not sufficient to establish whether loss-of-function variants in STN1 cause disease. This variant is not present in population databases (gnomAD no frequency). This variant has not been reported in the literature in individuals affected with STN1-related conditions. In summary, the available evidence is currently insufficient to determine the role of this variant in disease. Therefore, it has been classified as a Variant of Uncertain Significance.

NM_024928.5(STN1):c.224dup (p.Tyr75Ter)

Gene: STN1 (STN1 subunit of CST complex; minus strand). Cytogenetic location: 10q24.33.
Variant type: Duplication.
Coding change: c.224dup on transcript NM_024928.5 (MANE Select); coding-DNA position 224, one base duplicated (A; older notation c.224dupA).
Protein change: p.Tyr75Ter; replaces tyrosine 75 with a stop codon.
Molecular consequence: nonsense.
Genome position (GRCh38, 1-based): chr10:103,910,532, T duplicated on the plus strand (A on the coding strand, the reverse complement: STN1 is on the minus strand). VCF-style (leftmost placement, unchanged base first): chr10-103910531-A-AT. GRCh37 (hg19) VCF-style: chr10-105670289-A-AT.
Other names: short protein forms Y75*.
Identifiers: ClinVar variation 2168384 (VCV002168384.1), dbSNP rs2493051471, ClinGen allele CA2580081218.